The following is an entry in ClinVar:

NM_001368894.2(PAX6):c.475A>T (p.Lys159Ter)

Gene: PAX6 (paired box 6; minus strand). Cytogenetic location: 11p13.
Variant type: single nucleotide variant.
Coding change: c.475A>T on transcript NM_001368894.2 (MANE Select); coding-DNA position 475, A replaced by T.
Protein change: p.Lys159Ter; replaces lysine 159 with a stop codon.
Molecular consequence: nonsense. On other transcripts: non-coding transcript variant (2).
Genome position (GRCh38, 1-based): chr11:31,800,781, T>A on the plus strand (A>T on the coding strand, the complement: PAX6 is on the minus strand). VCF-style: chr11-31800781-T-A. GRCh37 (hg19) VCF-style: chr11-31822329-T-A.
Other names: c.433A>T, p.Lys145Ter (NM_001258465.3, NM_001310159.1, NM_001368887.2 and 10 more transcripts); c.475A>T, p.Lys159Ter (NM_001310158.2, NM_001368892.2, NM_001368893.2 and 6 more transcripts); c.25A>T, p.Lys9Ter (NM_001310160.2, NM_001310161.3, NM_001368899.2 and 11 more transcripts); c.676A>T, p.Lys226Ter (NM_001368910.2); c.478A>T, p.Lys160Ter (NM_001368911.2); c.550A>T, p.Lys184Ter (NM_001368918.2, NM_001368919.2); c.508A>T, p.Lys170Ter (NM_001368920.2); c.274A>T, p.Lys92Ter (NM_001368921.2, NM_001368922.2, NM_001368923.2 and 4 more transcripts); and 1 more; short protein forms K145*, K159*, K160*, K170*, K184*, K226*, K78*, K9*.
Identifiers: ClinVar variation 4883181 (VCV004883181.2).

ClinVar aggregate classification (germline): Likely pathogenic (1 of 4 stars; one submission).

Submission:

Dasa
Classification: Likely pathogenic. Last evaluated: 2025-05-21. Review status: criteria provided, single submitter. Criteria: DASA Assertion Criteria. Collection method: clinical testing. Allele origin: germline.
Comment: NM_001368894.2(PAX6):c.475A>T (p.Lys159*) is a nonsense variant in PAX6 predicted to introduce a premature termination codon and is predicted to result in an absent or altered protein product. Loss of function is an established disease mechanism for PAX6-associated disorders. Also, this variant is absent from population databases. Based on the currently available evidence, this variant is classified as likely pathogenic.